The following is an entry in ClinVar:

ClinVar aggregate classification (germline): Benign/Likely benign. Review status: criteria provided, multiple submitters, no conflicts (2 of 4 stars). 7 submissions from 7 submitters: Benign (2); Likely benign (4). 1 of the submissions does not count toward it. Last evaluated 2025-10-23.

Conditions:
Tuberous sclerosis 1 (TSC1). Identifiers: Orphanet 805, MedGen C1854465, MONDO:0008612, OMIM 191100.
Hereditary cancer-predisposing syndrome. Also called: Hereditary neoplastic syndrome; Neoplastic Syndromes, Hereditary; Hereditary Cancer Syndrome; Tumor predisposition. Identifiers: Orphanet 140162, MedGen C0027672, MeSH D009386, MONDO:0015356.
TSC1-related disorder. Also called: TSC1-related condition.

Allele frequency attached by ClinVar (database versions not stated): gnomAD exomes below 0.00001; ExAC 0.00001.

Submissions (7):

Labcorp Genetics (formerly Invitae), Labcorp
Classification: Likely benign for Tuberous sclerosis 1. Last evaluated: 2025-10-23. Review status: criteria provided, single submitter. Criteria: Invitae Variant Classification Sherloc (09022015). Collection method: clinical testing. Allele origin: germline.

Myriad Genetics, Inc.
Classification: Benign for Tuberous sclerosis 1. Last evaluated: 2025-04-24. Review status: criteria provided, single submitter. Criteria: Myriad Autosomal Dominant, Autosomal Recessive and X-Linked Classification Criteria (2023). Collection method: clinical testing. Allele origin: unknown.
Comment: This variant is considered benign. This variant is a silent/synonymous amino acid change and it is not expected to impact splicing.

Blueprint Genetics
Classification: Likely benign. Last evaluated: 2024-08-12. Review status: criteria provided, single submitter. Criteria: ACMG Guidelines, 2015. Collection method: clinical testing. Allele origin: germline.

Genome-Nilou Lab
Classification: Benign for Tuberous sclerosis 1. Last evaluated: 2021-11-07. Review status: criteria provided, single submitter. Criteria: ACMG Guidelines, 2015. Collection method: clinical testing. Allele origin: germline. Affected: no.

Ambry Genetics
Classification: Likely benign for Hereditary cancer-predisposing syndrome. Last evaluated: 2019-11-15. Review status: criteria provided, single submitter. Criteria: Ambry Variant Classification Scheme 2023. Collection method: clinical testing. Allele origin: germline.

GeneDx
Classification: Likely benign. Last evaluated: 2019-08-23. Review status: criteria provided, single submitter. Criteria: GeneDx Variant Classification Process June 2021. Collection method: clinical testing. Allele origin: germline. Affected: yes.

PreventionGenetics, part of Exact Sciences
Classification: Likely benign for TSC1-related condition. Last evaluated: 2024-08-19. Review status: no assertion criteria provided. Collection method: clinical testing. Allele origin: germline. Not counted in ClinVar's aggregate classification.
Comment: This variant is classified as likely benign based on ACMG/AMP sequence variant interpretation guidelines (Richards et al. 2015 PMID: 25741868, with internal and published modifications).

NM_000368.5(TSC1):c.2235G>A (p.Lys745=)

Gene: TSC1 (TSC complex subunit 1; minus strand). Cytogenetic location: 9q34.13.
Variant type: single nucleotide variant.
Coding change: c.2235G>A on transcript NM_000368.5 (MANE Select); coding-DNA position 2235, G replaced by A.
Protein change: p.Lys745=; no amino-acid change (lysine 745 retained).
Molecular consequence: synonymous variant.
Genome position (GRCh38, 1-based): chr9:132,902,761, C>T on the plus strand (G>A on the coding strand, the complement: TSC1 is on the minus strand). VCF-style: chr9-132902761-C-T. GRCh37 (hg19) VCF-style: chr9-135778148-C-T.
Other names: c.2232G>A, p.Lys744= (NM_001162426.2); c.2082G>A, p.Lys694= (NM_001162427.2); c.1872G>A, p.Lys624= (NM_001362177.2).
Identifiers: ClinVar variation 466070 (VCV000466070.21), dbSNP rs753265422, ClinGen allele CA031977.